The following is an entry in ClinVar:

NM_001163435.3(TBCK):c.1945C>T (p.Leu649Phe)

Gene: TBCK (TBC1 domain containing kinase; minus strand). Cytogenetic location: 4q24.
Variant type: single nucleotide variant.
Coding change: c.1945C>T on transcript NM_001163435.3 (MANE Select); coding-DNA position 1945, C replaced by T.
Protein change: p.Leu649Phe; replaces leucine 649 with phenylalanine.
Molecular consequence: missense variant.
Genome position (GRCh38, 1-based): chr4:106,193,723, G>A on the plus strand (C>T on the coding strand, the complement: TBCK is on the minus strand). VCF-style: chr4-106193723-G-A. GRCh37 (hg19) VCF-style: chr4-107114880-G-A.
Other names: c.1945C>T, p.Leu649Phe (NM_001163436.4); c.1828C>T, p.Leu610Phe (NM_001163437.3); c.1429C>T, p.Leu477Phe (NM_001290768.2); c.1756C>T, p.Leu586Phe (NM_033115.5); short protein forms L649F, L477F, L586F, L610F.
Identifiers: ClinVar variation 1376533 (VCV001376533.6), dbSNP rs2149814129, ClinGen allele CA357821389.

ClinVar aggregate classification (germline): Uncertain significance (1 of 4 stars; one submission).

gnomAD v4.1: 1 of 1,608,476 alleles (0.000062%); highest among the groups gnomAD compares: African/African-American, 0.0013%; no homozygotes.

Submission:

Labcorp Genetics (formerly Invitae), Labcorp
Classification: Uncertain significance. Last evaluated: 2021-06-19. Review status: criteria provided, single submitter. Criteria: Invitae Variant Classification Sherloc (09022015). Collection method: clinical testing. Allele origin: germline.
Comment: This sequence change replaces leucine with phenylalanine at codon 649 of the TBCK protein (p.Leu649Phe). The leucine residue is highly conserved and there is a small physicochemical difference between leucine and phenylalanine. This variant is not present in population databases (ExAC no frequency). This variant has not been reported in the literature in individuals with TBCK-related conditions. In summary, the available evidence is currently insufficient to determine the role of this variant in disease. Therefore, it has been classified as a Variant of Uncertain Significance. Algorithms developed to predict the effect of missense changes on protein structure and function are either unavailable or do not agree on the potential impact of this missense change (SIFT: "Tolerated"; PolyPhen-2: "Probably Damaging"; Align-GVGD: "Class C0").